The following is an entry in ClinVar:

NC_000016.9:g.(?_89613046)_(89617037_?)del

Gene: SPG7 (SPG7 matrix AAA peptidase subunit, paraplegin; plus strand). Cytogenetic location: 16q24.3.
Variant type: Deletion.
Identifiers: ClinVar variation 1459933 (VCV001459933.5).

ClinVar aggregate classification (germline): Pathogenic (1 of 4 stars; one submission).

Conditions:
Hereditary spastic paraplegia 7 (SPG7). Also called: Autosomal recessive spastic paraplegia type 7; SPG7-related neurologic disorder; SPASTIC PARAPLEGIA 7, AUTOSOMAL RECESSIVE, WITH OR WITHOUT CEREBELLAR ATAXIA; Spastic paraplegia 7; Hereditary spastic paraplegia Paraplegin type. Identifiers: Orphanet 99013, MedGen C1846564, MONDO:0011803, OMIM 607259.

Submission:

Labcorp Genetics (formerly Invitae), Labcorp
Classification: Pathogenic for Hereditary spastic paraplegia 7. Last evaluated: 2022-05-31. Review status: criteria provided, single submitter. Criteria: Invitae Variant Classification Sherloc (09022015). Collection method: clinical testing. Allele origin: germline.
Comment: For these reasons, this variant has been classified as Pathogenic. This variant disrupts a region of the SPG7 protein in which other variant(s) (p.Ala510Val) have been determined to be pathogenic (PMID: 16534102, 18200586, 18799786, 22571692, 22964162, 23269439). This suggests that this is a clinically significant region of the protein, and that variants that disrupt it are likely to be disease-causing. A similar copy number variant has been observed in individual(s) with hereditary spastic paraplegia (PMID: 25398481). This variant is a gross deletion of the genomic region encompassing exon(s) 11-13 of the SPG7 gene. This variant would be expected to be in-frame, preserving the integrity of the reading frame.

Literature cited by the submitters: PubMed 16534102; PubMed 18200586; PubMed 18799786; PubMed 22571692; PubMed 22964162; PubMed 23269439; PubMed 25398481.